The following is an entry in ClinVar:

NM_003482.4(KMT2D):c.11299C>G (p.Gln3767Glu)

Gene: KMT2D (lysine methyltransferase 2D; minus strand). Cytogenetic location: 12q13.12.
Variant type: single nucleotide variant.
Coding change: c.11299C>G on transcript NM_003482.4 (MANE Select); coding-DNA position 11299, C replaced by G.
Protein change: p.Gln3767Glu; replaces glutamine 3767 with glutamic acid.
Molecular consequence: missense variant.
Genome position (GRCh38, 1-based): chr12:49,033,406, G>C on the plus strand (C>G on the coding strand, the complement: KMT2D is on the minus strand). VCF-style: chr12-49033406-G-C. GRCh37 (hg19) VCF-style: chr12-49427189-G-C.
Other names: c.11299C>G (NM_003482.3); short protein forms Q3767E.
Identifiers: ClinVar variation 1598798 (VCV001598798.10), dbSNP rs776808398, ClinGen allele CA6546330.
Genomic context (GRCh38, chr12:49,033,406, plus strand): 5'-CCAGGAGGCCTTGGTGGCTGCTGGGAGGCATAAGGCCCTGGGGCTTGGGACCCAGAGCTT[G>C]GTTTGTCTGTACTCCAGGACCCTGCTGCTGTTGCTGCTGGATTGCCACCTGTCCTAGAAG-3'
Protein context (NP_003473.3, residues 3757-3777): QQQGPGVQTN[Gln3767Glu]ALGPKPQGLM

ClinVar aggregate classification (germline): Benign/Likely benign. Review status: criteria provided, multiple submitters, no conflicts (2 of 4 stars). 2 submissions from 2 submitters: Benign (1); Likely benign (1). Last evaluated 2023-07-16.

Conditions:
Kabuki syndrome. Also called: Kabuki make-up syndrome; NIIKAWA-KUROKI SYNDROME. Identifiers: Orphanet 2322, MedGen C0796004, MONDO:0016512.

Allele frequency attached by ClinVar (database versions not stated): gnomAD 0.00001; TOPMed 0.00001.
gnomAD v4.1: 3 of 1,574,570 alleles (0.00019%); highest among the groups gnomAD compares: East Asian, 0.0047%; no homozygotes.

Submissions (2):

Labcorp Genetics (formerly Invitae), Labcorp
Classification: Benign for Kabuki syndrome. Last evaluated: 2023-07-16. Review status: criteria provided, single submitter. Criteria: Invitae Variant Classification Sherloc (09022015). Collection method: clinical testing. Allele origin: germline.

GeneDx
Classification: Likely benign. Last evaluated: 2023-05-17. Review status: criteria provided, single submitter. Criteria: GeneDx Variant Classification Process June 2021. Collection method: clinical testing. Allele origin: germline. Affected: yes.
Comment: In silico analysis supports that this missense variant does not alter protein structure/function; Has not been previously published as pathogenic or benign to our knowledge